The following is an entry in ClinVar:

ClinVar aggregate classification (germline): Conflicting classifications of pathogenicity. Review status: criteria provided, conflicting classifications (1 of 4 stars). 2 submissions from 2 submitters: Pathogenic (1); Uncertain significance (1). Last evaluated 2025-01-03.

Conditions:
Developmental and epileptic encephalopathy, 62. Also called: Early infantile epileptic encephalopathy 62. Identifiers: MedGen C4693699, MONDO:0033371, OMIM 617938.

Submissions (2):

GeneDx
Classification: Uncertain significance. Last evaluated: 2025-01-03. Review status: criteria provided, single submitter. Criteria: GeneDx Variant Classification Process June 2021. Collection method: clinical testing. Allele origin: germline. Affected: yes.
Comment: Not observed at significant frequency in large population cohorts (gnomAD); Frameshift variant predicted to result in protein truncation or nonsense mediated decay in a gene or region of a gene for which loss of function is not a well-established mechanism of disease; Has not been previously published as pathogenic or benign to our knowledge

Institute of Medical Genetics and Applied Genomics, University Hospital Tübingen
Classification: Pathogenic for Developmental and epileptic encephalopathy, 62. Last evaluated: 2024-03-22. Review status: criteria provided, single submitter. Criteria: ACMG Guidelines, 2015. Collection method: clinical testing. Allele origin: germline. Inheritance: Autosomal dominant inheritance. Affected: yes.

NM_006922.4(SCN3A):c.1945dup (p.Asp649fs)

Gene: SCN3A (sodium voltage-gated channel alpha subunit 3; minus strand). Cytogenetic location: 2q24.3.
Variant type: Duplication.
Coding change: c.1945dup on transcript NM_006922.4 (MANE Select); coding-DNA position 1945, one base duplicated (G; older notation c.1945dupG).
Protein change: p.Asp649fs; shifts the reading frame from aspartic acid 649.
Molecular consequence: frameshift variant. On other transcripts: intron variant (2).
Genome position (GRCh38, 1-based): chr2:165,140,725, C duplicated on the plus strand (G on the coding strand, the reverse complement: SCN3A is on the minus strand); the first of 2 consecutive C bases (chr2:165,140,725-165,140,726); duplicating either gives the same sequence. VCF-style (leftmost placement, unchanged base first): chr2-165140724-T-TC. GRCh37 (hg19) VCF-style: chr2-165997234-T-TC.
Other names: c.1872+73dup (NM_001081676.2, NM_001081677.2); c.1945dup (NM_006922.3); short protein forms D649fs.
Identifiers: ClinVar variation 3062221 (VCV003062221.2), dbSNP rs1687959221, ClinGen allele CA1304456644.